The following is an entry in ClinVar:

ClinVar aggregate classification (germline): Uncertain significance (1 of 4 stars; one submission).

Allele frequency attached by ClinVar (database versions not stated): gnomAD exomes below 0.00001; TOPMed below 0.00001.
gnomAD v4.1: 2 of 1,613,738 alleles (0.00012%); highest among the groups gnomAD compares: Non-Finnish European, 0.00017%; no homozygotes.

Submission:

Labcorp Genetics (formerly Invitae), Labcorp
Classification: Uncertain significance. Last evaluated: 2021-07-27. Review status: criteria provided, single submitter. Criteria: Invitae Variant Classification Sherloc (09022015). Collection method: clinical testing. Allele origin: germline.
Comment: Algorithms developed to predict the effect of missense changes on protein structure and function are either unavailable or do not agree on the potential impact of this missense change (SIFT: "Deleterious"; PolyPhen-2: "Possibly Damaging"; Align-GVGD: "Class C0"). This sequence change replaces threonine with alanine at codon 141 of the C2 protein (p.Thr141Ala). The threonine residue is highly conserved and there is a small physicochemical difference between threonine and alanine. This variant is not present in population databases (ExAC no frequency). This variant has not been reported in the literature in individuals affected with C2-related conditions. In summary, the available evidence is currently insufficient to determine the role of this variant in disease. Therefore, it has been classified as a Variant of Uncertain Significance.

NM_000063.6(C2):c.421A>G (p.Thr141Ala)

Gene: C2 (complement C2; plus strand). Cytogenetic location: 6p21.33.
Variant type: single nucleotide variant.
Coding change: c.421A>G on transcript NM_000063.6 (MANE Select); coding-DNA position 421, A replaced by G.
Protein change: p.Thr141Ala; replaces threonine 141 with alanine.
Molecular consequence: missense variant. On other transcripts: genic upstream transcript variant (2), intron variant (1).
Genome position (GRCh38, 1-based): chr6:31,928,896, A>G. VCF-style: chr6-31928896-A-G. GRCh37 (hg19) VCF-style: chr6-31896673-A-G.
Other names: c.334A>G, p.Thr112Ala (NM_001282458.2); c.421A>G, p.Thr141Ala (NM_001282459.2); c.-63-4714A>G (NM_001282457.2); c.74-4714A>G (NM_001178063.3); c.46+1098A>G (NM_001145903.3); short protein forms T112A, T141A.
Identifiers: ClinVar variation 1461922 (VCV001461922.7), dbSNP rs1023850620, ClinGen allele CA136925326.